The following is an entry in ClinVar:

ClinVar aggregate classification (germline): Benign (1 of 4 stars; one submission).

Conditions:
Fleck corneal dystrophy (CFD). Also called: CORNEAL DYSTROPHY, FRANCOIS-NEETENS SPECKLED OR FLECKED. Identifiers: Orphanet 98970, MedGen C1562113, MONDO:0007376, OMIM 121850.

Allele frequency attached by ClinVar (database versions not stated): gnomAD 0.00005 and 0.00020; TOPMed 0.00007; gnomAD exomes 0.00037; ExAC 0.00040; 1000 Genomes Project 30x 0.00078; 1000 Genomes Project 0.00100.
gnomAD v4.1: 636 of 1,614,096 alleles (0.039%); highest among the groups gnomAD compares: East Asian, 1.1%; 6 homozygotes.

Submission:

Illumina Laboratory Services, Illumina
Classification: Benign for Fleck corneal dystrophy. Last evaluated: 2018-01-12. Review status: criteria provided, single submitter. Criteria: ICSL Variant Classification Criteria 13 December 2019. Collection method: clinical testing. Allele origin: germline.
Comment: This variant was observed in the ICSL laboratory as part of a predisposition screen in an ostensibly healthy population. It had not been previously curated by ICSL or reported in the Human Gene Mutation Database (HGMD: prior to June 1st, 2018), and was therefore a candidate for classification through an automated scoring system. Utilizing variant allele frequency, disease prevalence and penetrance estimates, and inheritance mode, an automated score was calculated to assess if this variant is too frequent to cause the disease. Based on the score and internal cut-off values, a variant classified as benign is not then subjected to further curation. The score for this variant resulted in a classification of benign for this disease.

NM_015040.4(PIKFYVE):c.5573G>A (p.Arg1858Gln)

Gene: PIKFYVE (phosphoinositide kinase, FYVE-type zinc finger containing; plus strand). Cytogenetic location: 2q34.
Variant type: single nucleotide variant.
Coding change: c.5573G>A on transcript NM_015040.4 (MANE Select); coding-DNA position 5573, G replaced by A.
Protein change: p.Arg1858Gln; replaces arginine 1858 with glutamine.
Molecular consequence: missense variant.
Genome position (GRCh38, 1-based): chr2:208,350,909, G>A. VCF-style: chr2-208350909-G-A. GRCh37 (hg19) VCF-style: chr2-209215633-G-A.
Other names: short protein forms R1858Q.
Identifiers: ClinVar variation 333935 (VCV000333935.5), dbSNP rs2289170, ClinGen allele CA2080674.